The following is an entry in ClinVar:

NM_000400.4(ERCC2):c.1222dup (p.Ser408fs)

Gene: ERCC2 (ERCC excision repair 2, TFIIH core complex helicase subunit; minus strand). Cytogenetic location: 19q13.32.
Variant type: Duplication.
Coding change: c.1222dup on transcript NM_000400.4 (MANE Select); coding-DNA position 1222, one base duplicated (A; older notation c.1222dupA).
Protein change: p.Ser408fs; shifts the reading frame from serine 408.
Molecular consequence: frameshift variant.
Genome position (GRCh38, 1-based): chr19:45,361,539, T duplicated on the plus strand (A on the coding strand, the reverse complement: ERCC2 is on the minus strand). VCF-style (leftmost placement, unchanged base first): chr19-45361538-C-CT. GRCh37 (hg19) VCF-style: chr19-45864796-C-CT.
Other names: c.1150dup, p.Ser384fs (NM_001130867.2); short protein forms S384fs, S408fs.
Identifiers: ClinVar variation 2754540 (VCV002754540.3), dbSNP rs2514023173, ClinGen allele CA2697556619.

ClinVar aggregate classification (germline): Pathogenic (1 of 4 stars; one submission).

Submission:

Labcorp Genetics (formerly Invitae), Labcorp
Classification: Pathogenic. Last evaluated: 2023-08-23. Review status: criteria provided, single submitter. Criteria: Invitae Variant Classification Sherloc (09022015). Collection method: clinical testing. Allele origin: germline.
Comment: For these reasons, this variant has been classified as Pathogenic. This variant has not been reported in the literature in individuals affected with ERCC2-related conditions. This variant is not present in population databases (gnomAD no frequency). This sequence change creates a premature translational stop signal (p.Ser408Lysfs*15) in the ERCC2 gene. It is expected to result in an absent or disrupted protein product. Loss-of-function variants in ERCC2 are known to be pathogenic (PMID: 9238033, 11335038, 19085937, 19934020).

Literature cited by the submitters: PubMed 9238033; PubMed 11335038; PubMed 19085937; PubMed 19934020.